The following is an entry in ClinVar:

ClinVar aggregate classification (germline): Uncertain significance (1 of 4 stars; one submission).

gnomAD v4.1: 3 of 1,614,284 alleles (0.00019%); highest among the groups gnomAD compares: East Asian, 0.0022%; no homozygotes.

Submission:

CeGaT Center for Human Genetics Tuebingen
Classification: Uncertain significance. Last evaluated: 2025-01-01. Review status: criteria provided, single submitter. Criteria: CeGaT Center For Human Genetics Tuebingen Variant Classification Criteria Version 2. Collection method: clinical testing. Allele origin: germline. Affected: yes. Observed: 1 variant allele.
Comment: SPTBN1: PM2

NM_003128.3(SPTBN1):c.3360G>T (p.Lys1120Asn)

Gene: SPTBN1 (spectrin beta, non-erythrocytic 1; plus strand). Cytogenetic location: 2p16.2.
Variant type: single nucleotide variant.
Coding change: c.3360G>T on transcript NM_003128.3 (MANE Select); coding-DNA position 3360, G replaced by T.
Protein change: p.Lys1120Asn; replaces lysine 1120 with asparagine.
Molecular consequence: missense variant.
Genome position (GRCh38, 1-based): chr2:54,631,407, G>T. VCF-style: chr2-54631407-G-T. GRCh37 (hg19) VCF-style: chr2-54858544-G-T.
Other names: c.3321G>T, p.Lys1107Asn (NM_178313.3); short protein forms K1107N, K1120N.
Identifiers: ClinVar variation 3771284 (VCV003771284.13).